The following is an entry in ClinVar:

ClinVar aggregate classification (germline): Uncertain significance. Review status: criteria provided, multiple submitters, no conflicts (2 of 4 stars). 2 submissions from 2 submitters: Uncertain significance (2). Last evaluated 2025-05-14.

Conditions:
Epilepsy, X-linked 1, with variable learning disabilities and behavior disorders. Also called: X-linked epilepsy-learning disabilities-behavior disorders syndrome. Identifiers: Orphanet 85294, MedGen C5774177, MONDO:0010339, OMIM 300491.

Allele frequency attached by ClinVar (database versions not stated): TOPMed below 0.00001.

Submissions (2):

GeneDx
Classification: Uncertain significance. Last evaluated: 2025-05-14. Review status: criteria provided, single submitter. Criteria: GeneDx Variant Classification Process June 2021. Collection method: clinical testing. Allele origin: germline. Affected: yes.
Comment: Not observed at significant frequency in large population cohorts (gnomAD); In silico analysis suggests that this missense variant does not alter protein structure/function; Has not been previously published as pathogenic or benign to our knowledge

Labcorp Genetics (formerly Invitae), Labcorp
Classification: Uncertain significance for Epilepsy, X-linked 1, with variable learning disabilities and behavior disorders. Last evaluated: 2024-04-22. Review status: criteria provided, single submitter. Criteria: Invitae Variant Classification Sherloc (09022015). Collection method: clinical testing. Allele origin: germline.
Comment: This sequence change replaces glutamine, which is neutral and polar, with histidine, which is basic and polar, at codon 423 of the SYN1 protein (p.Gln423His). This variant is not present in population databases (gnomAD no frequency). This variant has not been reported in the literature in individuals affected with SYN1-related conditions. An algorithm developed to predict the effect of missense changes on protein structure and function (PolyPhen-2) suggests that this variant is likely to be disruptive. In summary, the available evidence is currently insufficient to determine the role of this variant in disease. Therefore, it has been classified as a Variant of Uncertain Significance.

NM_006950.3(SYN1):c.1269G>T (p.Gln423His)

Gene: SYN1 (synapsin I; minus strand). Cytogenetic location: Xp11.3.
Variant type: single nucleotide variant.
Coding change: c.1269G>T on transcript NM_006950.3 (MANE Select); coding-DNA position 1269, G replaced by T.
Protein change: p.Gln423His; replaces glutamine 423 with histidine.
Molecular consequence: missense variant.
Genome position (GRCh38, 1-based): chrX:47,575,164, C>A on the plus strand (G>T on the coding strand, the complement: SYN1 is on the minus strand). VCF-style: chrX-47575164-C-A. GRCh37 (hg19) VCF-style: chrX-47434563-C-A.
Other names: c.1269G>T, p.Gln423His (NM_133499.2); short protein forms Q423H.
Identifiers: ClinVar variation 2870080 (VCV002870080.4), dbSNP rs2057773639, ClinGen allele CA412825331.
Genomic context (GRCh38, chrX:47,575,164, plus strand): 5'-CTAGCTCAGCGCCAGGGGCCTGACCTGGCCATGGGAGCCCCTGCCAGGGGAGGCATCCCG[C>A]TGTCGCTGCCGGGGCAGGGCCTGAGCCATCTTGTTGACCACGAGCTCTACGATGAGCTGT-3'
Protein context (NP_008881.2, residues 413-433): KMAQALPRQR[Gln423His]RDASPGRGSH